The following is an entry in ClinVar:

NM_001287.6(CLCN7):c.1A>G (p.Met1Val)

Genes: CLCN7 (chloride voltage-gated channel 7; minus strand), LOC130058166 (ATAC-STARR-seq lymphoblastoid silent region 6986; plus strand). Cytogenetic location: 16p13.3.
Variant type: single nucleotide variant.
Coding change: c.1A>G on transcript NM_001287.6 (MANE Select); coding-DNA position 1, A replaced by G.
Protein change: p.Met1Val; changes the start codon (methionine 1).
Molecular consequence: missense variant, initiator codon variant.
Genome position (GRCh38, 1-based): chr16:1,474,974, T>C on the plus strand (A>G on the coding strand, the complement: CLCN7 is on the minus strand). VCF-style: chr16-1474974-T-C. GRCh37 (hg19) VCF-style: chr16-1524975-T-C.
Other names: c.1A>G, p.Met1Val (NM_001114331.3); short protein forms M1V.
Identifiers: ClinVar variation 2981067 (VCV002981067.3), dbSNP rs775186615, ClinGen allele CA394194386.

ClinVar aggregate classification (germline): Uncertain significance (1 of 4 stars; one submission).

Submission:

Labcorp Genetics (formerly Invitae), Labcorp
Classification: Uncertain significance. Last evaluated: 2023-04-06. Review status: criteria provided, single submitter. Criteria: Invitae Variant Classification Sherloc (09022015). Collection method: clinical testing. Allele origin: germline.
Comment: This sequence change affects the initiator methionine of the CLCN7 mRNA. The next in-frame methionine is located at codon 59. The frequency data for this variant in the population databases is considered unreliable, as metrics indicate poor data quality at this position in the gnomAD database. This variant has not been reported in the literature in individuals affected with CLCN7-related conditions. Experimental studies and prediction algorithms are not available or were not evaluated, and the functional significance of this variant is currently unknown. In summary, the available evidence is currently insufficient to determine the role of this variant in disease. Therefore, it has been classified as a Variant of Uncertain Significance.